The following is an entry in ClinVar:

ClinVar aggregate classification (germline): Uncertain significance (1 of 4 stars; one submission).

gnomAD v4.1: 3 of 1,595,294 alleles (0.00019%); highest among the groups gnomAD compares: Non-Finnish European, 0.00026%; no homozygotes.

Submission:

CeGaT Center for Human Genetics Tuebingen
Classification: Uncertain significance. Last evaluated: 2026-05-01. Review status: criteria provided, single submitter. Criteria: CeGaT Center For Human Genetics Tuebingen Variant Classification Criteria Version 2. Collection method: clinical testing. Allele origin: germline. Affected: yes. Observed: 1 variant allele.
Comment: INF2: PM2, BP4

NM_022489.4(INF2):c.3650G>C (p.Gly1217Ala)

Gene: INF2 (inverted formin 2; plus strand). Cytogenetic location: 14q32.33.
Variant type: single nucleotide variant.
Coding change: c.3650G>C on transcript NM_022489.4 (MANE Select); coding-DNA position 3650, G replaced by C.
Protein change: p.Gly1217Ala; replaces glycine 1217 with alanine.
Molecular consequence: missense variant. On other transcripts: non-coding transcript variant (1).
Genome position (GRCh38, 1-based): chr14:104,714,812, G>C. VCF-style: chr14-104714812-G-C. GRCh37 (hg19) VCF-style: chr14-105181149-G-C.
Other names: c.3650G>C, p.Gly1217Ala (NM_001031714.4, NM_001426862.1, NM_001426863.1 and 2 more transcripts); short protein forms G1217A.
Identifiers: ClinVar variation 4875230 (VCV004875230.2).